The following is an entry in ClinVar:

NM_001128840.3(CACNA1D):c.1537C>A (p.Arg513Ser)

Gene: CACNA1D (calcium voltage-gated channel subunit alpha1 D; plus strand). Cytogenetic location: 3p21.1.
Variant type: single nucleotide variant.
Coding change: c.1537C>A on transcript NM_001128840.3 (MANE Select); coding-DNA position 1537, C replaced by A.
Protein change: p.Arg513Ser; replaces arginine 513 with serine.
Molecular consequence: missense variant.
Genome position (GRCh38, 1-based): chr3:53,722,345, C>A. VCF-style: chr3-53722345-C-A. GRCh37 (hg19) VCF-style: chr3-53756372-C-A.
Other names: c.1597C>A, p.Arg533Ser (NM_000720.4); c.1537C>A, p.Arg513Ser (NM_001128839.3); short protein forms R513S, R533S.
Identifiers: ClinVar variation 3766349 (VCV003766349.1).

ClinVar aggregate classification (germline): Uncertain significance (1 of 4 stars; one submission).

Submission:

GeneDx
Classification: Uncertain significance. Last evaluated: 2024-08-26. Review status: criteria provided, single submitter. Criteria: GeneDx Variant Classification Process June 2021. Collection method: clinical testing. Allele origin: germline. Affected: yes.
Comment: Not observed at significant frequency in large population cohorts (gnomAD); In silico analysis supports that this missense variant has a deleterious effect on protein structure/function; Has not been previously published as pathogenic or benign to our knowledge